The following is an entry in ClinVar:

NM_000053.4(ATP7B):c.3110C>T (p.Pro1037Leu)

Gene: ATP7B (ATPase copper transporting beta; minus strand). Cytogenetic location: 13q14.3.
Variant type: single nucleotide variant.
Coding change: c.3110C>T on transcript NM_000053.4 (MANE Select); coding-DNA position 3110, C replaced by T.
Protein change: p.Pro1037Leu; replaces proline 1037 with leucine.
Molecular consequence: missense variant. On other transcripts: intron variant (1).
Genome position (GRCh38, 1-based): chr13:51,944,242, G>A on the plus strand (C>T on the coding strand, the complement: ATP7B is on the minus strand). VCF-style: chr13-51944242-G-A. GRCh37 (hg19) VCF-style: chr13-52518378-G-A.
Other names: c.2771C>T, p.Pro924Leu (NM_001406537.1); c.2876C>T, p.Pro959Leu (NM_001406538.1, NM_001406527.1, NM_001406528.1 and 1 more transcripts); c.2681C>T, p.Pro894Leu (NM_001406539.1); c.2663C>T, p.Pro888Leu (NM_001406540.1); c.2624C>T, p.Pro875Leu (NM_001406541.1, NM_001406542.1); c.2762C>T, p.Pro921Leu (NM_001406543.1); c.2528C>T, p.Pro843Leu (NM_001406544.1); c.2462C>T, p.Pro821Leu (NM_001406545.1); and 19 more; short protein forms P1005L, P1019L, P1026L, P1035L, P1037L, P607L, P756L, P810L.
Identifiers: ClinVar variation 3073220 (VCV003073220.1), dbSNP rs1335109178, ClinGen allele CA388030388.

ClinVar aggregate classification (germline): Uncertain significance (1 of 4 stars; one submission).

Conditions:
Wilson disease (WND). Also called: Wilson's disease. Identifiers: Orphanet 905, MedGen C0019202, MONDO:0010200, OMIM 277900. Disease mechanism: loss of function.

Submission:

All of Us Research Program, National Institutes of Health
Classification: Uncertain significance for Wilson disease. Last evaluated: 2023-08-28. Review status: criteria provided, single submitter. Criteria: ACMG Guidelines, 2015. Collection method: clinical testing. Allele origin: germline. Inheritance: Autosomal recessive inheritance. Observed: 1 variant allele, 1 heterozygote.
Comment: This missense variant replaces proline with leucine at codon 1037 of the ATP7B protein. Computational prediction suggests that this variant may have deleterious impact on protein structure and function (internally defined REVEL score threshold >= 0.7, PMID: 27666373). To our knowledge, functional studies have not been reported for this variant. This variant has not been reported in individuals affected with ATP7B-related disorders in the literature. This variant has not been identified in the general population by the Genome Aggregation Database (gnomAD). The available evidence is insufficient to determine the role of this variant in disease conclusively. Therefore, this variant is classified as a Variant of Uncertain Significance.

This study involves interpretation of variants in research participants for the purpose of population health screening. Participant phenotype was not available at the time of variant classification. Additional details can be found in publication PMID: 35346344, PMCID: PMC8962531